The following is an entry in ClinVar:

ClinVar aggregate classification (germline): Likely benign. Review status: criteria provided, single submitter (1 of 4 stars). 2 submissions from 2 submitters: Likely benign (1). 1 of the submissions does not count toward it. Last evaluated 2025-04-10.

Conditions:
BRD4-related disorder. Also called: BRD4-related condition.

Allele frequency attached by ClinVar (database versions not stated): gnomAD 0.00007; ExAC 0.00005; gnomAD exomes 0.00003.
gnomAD v4.1: 49 of 1,476,810 alleles (0.0033%); highest among the groups gnomAD compares: East Asian, 0.028%; 1 homozygote.

Submissions (2):

Labcorp Genetics (formerly Invitae), Labcorp
Classification: Likely benign. Last evaluated: 2025-04-10. Review status: criteria provided, single submitter. Criteria: Invitae Variant Classification Sherloc (09022015). Collection method: clinical testing. Allele origin: germline.

PreventionGenetics, part of Exact Sciences
Classification: Likely benign for BRD4-related condition. Last evaluated: 2019-09-17. Review status: no assertion criteria provided. Collection method: clinical testing. Allele origin: germline. Not counted in ClinVar's aggregate classification.
Comment: This variant is classified as likely benign based on ACMG/AMP sequence variant interpretation guidelines (Richards et al. 2015 PMID: 25741868, with internal and published modifications).

NM_001379291.1(BRD4):c.2271G>A (p.Pro757=)

Gene: BRD4 (bromodomain containing 4; minus strand). Cytogenetic location: 19p13.12.
Variant type: single nucleotide variant.
Coding change: c.2271G>A on transcript NM_001379291.1 (MANE Select); coding-DNA position 2271, G replaced by A.
Protein change: p.Pro757=; no amino-acid change (proline 757 retained).
Molecular consequence: synonymous variant.
Genome position (GRCh38, 1-based): chr19:15,244,541, C>T on the plus strand (G>A on the coding strand, the complement: BRD4 is on the minus strand). VCF-style: chr19-15244541-C-T. GRCh37 (hg19) VCF-style: chr19-15355352-C-T.
Other names: c.2271G>A, p.Pro757= (NM_058243.3).
Identifiers: ClinVar variation 3040579 (VCV003040579.4), dbSNP rs200576734, ClinGen allele CA9264997.